The following is an entry in ClinVar:

ClinVar aggregate classification (germline): Uncertain significance. Review status: criteria provided, multiple submitters, no conflicts (2 of 4 stars). 2 submissions from 2 submitters: Uncertain significance (2). Last evaluated 2024-03-17.

Conditions:
Febrile seizures, familial, 8 (FEB8). Also called: CONVULSIONS, FAMILIAL FEBRILE, 8. Identifiers: Orphanet 36387, MedGen C1969810, MONDO:0011891, OMIM 607681.
EPILEPSY, CHILDHOOD ABSENCE, SUSCEPTIBILITY TO, 2 (ECA2). Identifiers: Orphanet 64280, MedGen C1843244, OMIM 607681.
Developmental and epileptic encephalopathy, 74. Also called: EPILEPTIC ENCEPHALOPATHY, EARLY INFANTILE, 74. Identifiers: MedGen C5193074, MONDO:0032725, OMIM 618396.

Allele frequency attached by ClinVar (database versions not stated): gnomAD exomes below 0.00001 and 0.00001.
gnomAD v4.1: 18 of 1,613,762 alleles (0.0011%); highest among the groups gnomAD compares: Non-Finnish European, 0.0015%; no homozygotes.

Submissions (2):

Labcorp Genetics (formerly Invitae), Labcorp
Classification: Uncertain significance for Febrile seizures, familial, 8; EPILEPSY, CHILDHOOD ABSENCE, SUSCEPTIBILITY TO, 2. Last evaluated: 2024-03-17. Review status: criteria provided, single submitter. Criteria: Invitae Variant Classification Sherloc (09022015). Collection method: clinical testing. Allele origin: germline.
Comment: This sequence change replaces serine, which is neutral and polar, with asparagine, which is neutral and polar, at codon 130 of the GABRG2 protein (p.Ser130Asn). This variant is present in population databases (no rsID available, gnomAD 0.0009%). This variant has not been reported in the literature in individuals affected with GABRG2-related conditions. This missense change has been observed in at least one individual who was not affected with GABRG2-related conditions (Invitae). ClinVar contains an entry for this variant (Variation ID: 1057064). Advanced modeling of protein sequence and biophysical properties (such as structural, functional, and spatial information, amino acid conservation, physicochemical variation, residue mobility, and thermodynamic stability) performed at Invitae indicates that this missense variant is expected to disrupt GABRG2 protein function with a positive predictive value of 95%. In summary, the available evidence is currently insufficient to determine the role of this variant in disease. Therefore, it has been classified as a Variant of Uncertain Significance.

Victorian Clinical Genetics Services, Murdoch Childrens Research Institute
Classification: Uncertain significance for Developmental and epileptic encephalopathy, 74. Last evaluated: 2022-02-02. Review status: criteria provided, single submitter. Criteria: ACMG Guidelines, 2015. Collection method: clinical testing. Allele origin: germline. Inheritance: Autosomal dominant inheritance. Affected: yes.
Comment: Based on the classification scheme VCGS_Germline_v1.3.4, this variant is classified as VUS-3B. Following criteria are met: 0102 - Loss of function is a known mechanism of disease in this gene and is associated with generalized epilepsy with febrile seizures plus, type 3 (MIM#607681), early infantile epileptic encephalopathy (MIM#618396) and familial febrile seizures, 8 (MIM#607681). (I) 0107 - This gene is associated with autosomal dominant disease. (I) 0200 - Variant is predicted to result in a missense amino acid change from serine to asparagine. (I) 0251 - This variant is heterozygous. (I) 0302 - Variant is present in gnomAD <0.001 for a dominant condition (v2: 1 heterozygote, 0 homozygotes). (SP) 0502 - Missense variant with conflicting in silico predictions and uninformative conservation. (I) 0600 - Variant is located in the annotated extracellular domain of gamma-aminobutyric acid receptor subunit gamma (NCBI). (I) 0705 - No comparable missense variants have previous evidence for pathogenicity. (I) 0809 - Previous evidence of pathogenicity for this variant is inconclusive. It has been classified as a VUS by a diagnostic laboratory in ClinVar. (I) 0905 - No published segregation evidence has been identified for this variant. (I) 1007 - No published functional evidence has been identified for this variant. (I) 1208 - Inheritance information for this variant is not currently available in this individual. (I) Legend: (SP) - Supporting pathogenic, (I) - Information, (SB) - Supporting benign

NM_198904.4(GABRG2):c.389G>A (p.Ser130Asn)

Gene: GABRG2 (gamma-aminobutyric acid type A receptor subunit gamma2; plus strand). Cytogenetic location: 5q34.
Variant type: single nucleotide variant.
Coding change: c.389G>A on transcript NM_198904.4 (MANE Select); coding-DNA position 389, G replaced by A.
Protein change: p.Ser130Asn; replaces serine 130 with asparagine.
Molecular consequence: missense variant. On other transcripts: splice acceptor variant (2).
Genome position (GRCh38, 1-based): chr5:162,097,699, G>A. VCF-style: chr5-162097699-G-A. GRCh37 (hg19) VCF-style: chr5-161524705-G-A.
Other names: c.389G>A, p.Ser130Asn (NM_000816.3, NM_001375340.1, NM_001375341.1 and 4 more transcripts); c.380G>A, p.Ser127Asn (NM_001375339.1); c.323G>A, p.Ser108Asn (NM_001375345.1, NM_001375346.1); c.302G>A, p.Ser101Asn (NM_001375347.1); c.104G>A, p.Ser35Asn (NM_001375349.1); c.-31-1G>A (NM_001375350.1, NM_001375348.1); short protein forms S101N, S108N, S127N, S130N, S35N.
Identifiers: ClinVar variation 1057064 (VCV001057064.10), dbSNP rs1194428749, ClinGen allele CA362183951.